The following is an entry in ClinVar:

ClinVar aggregate classification (germline): Uncertain significance (1 of 4 stars; one submission).

Conditions:
Adenylosuccinate lyase deficiency (ADSLD). Also called: ADSL DEFICIENCY. Identifiers: Orphanet 46, MedGen C0268126, MONDO:0007068, OMIM 103050.

Submission:

Labcorp Genetics (formerly Invitae), Labcorp
Classification: Uncertain significance for Adenylosuccinate lyase deficiency. Last evaluated: 2022-07-29. Review status: criteria provided, single submitter. Criteria: Invitae Variant Classification Sherloc (09022015). Collection method: clinical testing. Allele origin: germline.
Comment: This variant occurs in a non-coding region of the ADSL gene. It does not change the encoded amino acid sequence of the ADSL protein. This variant is not present in population databases (gnomAD no frequency). This variant has not been reported in the literature in individuals affected with ADSL-related conditions. Experimental studies and prediction algorithms are not available or were not evaluated, and the functional significance of this variant is currently unknown. In summary, the available evidence is currently insufficient to determine the role of this variant in disease. Therefore, it has been classified as a Variant of Uncertain Significance.

NC_000022.11:g.40345590G>T

Gene: ADSL (adenylosuccinate lyase; plus strand). Cytogenetic location: 22q13.1.
Variant type: single nucleotide variant.
Genome position: GRCh38 VCF-style: chr22-40345590-G-T. GRCh37 (hg19) VCF-style: chr22-40741594-G-T.
Identifiers: ClinVar variation 1474265 (VCV001474265.4), dbSNP rs897965743, ClinGen allele CA753179512.